The following is an entry in ClinVar:

NM_006206.6(PDGFRA):c.3266T>G (p.Leu1089Arg)

Gene: PDGFRA (platelet derived growth factor receptor alpha; plus strand). Cytogenetic location: 4q12.
Variant type: single nucleotide variant.
Coding change: c.3266T>G on transcript NM_006206.6 (MANE Select); coding-DNA position 3266, T replaced by G.
Protein change: p.Leu1089Arg; replaces leucine 1089 with arginine.
Molecular consequence: missense variant.
Genome position (GRCh38, 1-based): chr4:54,295,268, T>G. VCF-style: chr4-54295268-T-G. GRCh37 (hg19) VCF-style: chr4-55161435-T-G.
Other names: c.3341T>G, p.Leu1114Arg (NM_001347828.2); c.3266T>G, p.Leu1089Arg (NM_001347829.2); c.3305T>G, p.Leu1102Arg (NM_001347830.2); short protein forms L1089R, L1102R, L1114R.
Identifiers: ClinVar variation 1063959 (VCV001063959.9), dbSNP rs2110359131, ClinGen allele CA356896759.

ClinVar aggregate classification (germline): Uncertain significance (1 of 4 stars; one submission).

Conditions:
Gastrointestinal stromal tumor. Also called: Gastrointestinal stromal tumor, somatic; Gastrointestinal stroma tumor. Identifiers: Orphanet 44890, MedGen C0238198, MeSH D046152, MONDO:0011719, OMIM 606764, HP:0100723.

Submission:

Labcorp Genetics (formerly Invitae), Labcorp
Classification: Uncertain significance for Gastrointestinal stromal tumor. Last evaluated: 2025-05-05. Review status: criteria provided, single submitter. Criteria: Invitae Variant Classification Sherloc (09022015). Collection method: clinical testing. Allele origin: germline.
Comment: This sequence change replaces leucine, which is neutral and non-polar, with arginine, which is basic and polar, at codon 1089 of the PDGFRA protein (p.Leu1089Arg). This variant is not present in population databases (gnomAD no frequency). This variant has not been reported in the literature in individuals affected with PDGFRA-related conditions. ClinVar contains an entry for this variant (Variation ID: 1063959). An algorithm developed to predict the effect of missense changes on protein structure and function (PolyPhen-2) suggests that this variant is likely to be disruptive. Algorithms developed to predict the effect of sequence changes on RNA splicing suggest that this variant may create or strengthen a splice site. In summary, the available evidence is currently insufficient to determine the role of this variant in disease. Therefore, it has been classified as a Variant of Uncertain Significance.